The following is an entry in ClinVar:

ClinVar aggregate classification (germline): Uncertain significance. Review status: no assertion criteria provided (0 of 4 stars). 2 submissions from 2 submitters: Uncertain significance (1). 1 of the submissions does not count toward it. Last evaluated 2020-11-01.

Conditions:
von Willebrand disease type 3 (VWD3). Also called: Type 3 Von Willebrand's disease; Type 3 VWD; Von Willebrand disease, severe form; V WD3; VON WILLEBRAND DISEASE, TYPE III. Identifiers: Orphanet 166096, MedGen C1264041, MONDO:0010191, OMIM 277480.

Submissions (2):

Angelo Bianchi Bonomi Hemophilia and Thrombosis Center, Fondazione IRCCS Ca Granda Ospedale Maggiore Policlinico
Classification: Uncertain significance for von Willebrand disease type 3. Last evaluated: 2020-11-01. Review status: no assertion criteria provided. Collection method: clinical testing. Allele origin: germline. Affected: yes. Study: Type 3 Von Willebrand International Registries Inhibitor Prospective Study (3WINTERS-IPS).
Comment: ClinGen Pathogenicity Calculator

Academic Unit of Haematology, University of Sheffield
No classification provided. Review status: no classification provided. Collection method: not provided. Allele origin: not provided. Not counted in ClinVar's aggregate classification.

NM_000552.5(VWF):c.6520T>G (p.Cys2174Gly)

Gene: VWF (von Willebrand factor; minus strand). Cytogenetic location: 12p13.31.
Variant type: single nucleotide variant.
Coding change: c.6520T>G on transcript NM_000552.5 (MANE Select); coding-DNA position 6520, T replaced by G.
Protein change: p.Cys2174Gly; replaces cysteine 2174 with glycine.
Molecular consequence: missense variant.
Genome position (GRCh38, 1-based): chr12:5,993,940, A>C on the plus strand (T>G on the coding strand, the complement: VWF is on the minus strand). VCF-style: chr12-5993940-A-C. GRCh37 (hg19) VCF-style: chr12-6103106-A-C.
Other names: short protein forms C2174G.
Identifiers: ClinVar variation 100440 (VCV000100440.4), dbSNP rs61750619, ClinGen allele CA228742.